The following is an entry in ClinVar:

ClinVar aggregate classification (germline): Pathogenic/Likely pathogenic. Review status: criteria provided, multiple submitters, no conflicts (2 of 4 stars). 15 submissions from 14 submitters: Pathogenic (11); Likely pathogenic (2). 2 of the submissions do not count toward it. Last evaluated 2025-11-22.

Conditions:
KCNQ3-related disorder. Also called: KCNQ3-related condition; KCNQ3-Related Disorders. Identifiers: MedGen CN381530.
Inborn genetic diseases. Identifiers: MedGen C0950123, MeSH D030342.
Benign neonatal seizures. Also called: Convulsions benign familial neonatal dominant form; Autosomal dominant form of benign neonatal seizures; Benign neonatal familial convulsions; Benign familial neonatal epilepsy; Benign familial neonatal seizures. Identifiers: Orphanet 1949, MedGen C0220669, MONDO:0016027.
Seizures, benign familial neonatal, 2. Also called: CONVULSIONS, BENIGN FAMILIAL NEONATAL, 2; KCNQ3-Related Self-Limited Familial Neonatal Epilepsy (SLFNE); Seizures, benign neonatal, 2; Benign Neonatal Epilepsy 2; KCNQ3-Related Benign Familial Neonatal Epilepsy. Identifiers: Orphanet 1949, MedGen C1852581, MONDO:0007366, OMIM 121201.
Seizure. Also called: Seizures. Identifiers: MedGen C0036572, HP:0001250.
Intellectual disability. Also called: Intellectual functioning disability; intellectual disabilities; Intellectual developmental disorder. Identifiers: MedGen C3714756, MeSH D008607, MONDO:0001071, HP:0001249.

Allele frequency attached by ClinVar (database versions not stated): gnomAD exomes below 0.00001; ExAC 0.00001.
gnomAD v4.1: 1 of 1,614,154 alleles (0.000062%); highest among the groups gnomAD compares: South Asian, 0.0011%; no homozygotes.

Submissions (15):

GeneDx
Classification: Pathogenic. Last evaluated: 2025-11-22. Review status: criteria provided, single submitter. Criteria: GeneDx Variant Classification Process June 2021. Collection method: clinical testing. Allele origin: germline. Affected: yes.
Comment: Published functional studies demonstrate a gain-of-function change (PMID: 31177578); Not observed at significant frequency in large population cohorts (gnomAD); In silico analysis supports that this missense variant has a deleterious effect on protein structure/function; This variant is associated with the following publications: (PMID: 39357456, 31177578, 30578330, 33794528, 32506321, 34728568, 31981491, 35982160, 37776660, 35982159, 35723786, 38958063)

Ambry Genetics
Classification: Pathogenic for Inborn genetic diseases. Last evaluated: 2025-02-12. Review status: criteria provided, single submitter. Criteria: Ambry Variant Classification Scheme 2023. Collection method: clinical testing. Allele origin: germline.
Comment: The c.689G>A (p.R230H) alteration is located in exon 4 (coding exon 4) of the KCNQ3 gene. This alteration results from a G to A substitution at nucleotide position 689, causing the arginine (R) at amino acid position 230 to be replaced by a histidine (H). for KCNQ3-related neurodevelopmental disorder. Based on data from gnomAD, the A allele has an overall frequency of <0.001% (1/251138) total alleles studied. The highest observed frequency was 0.003% (1/30614) of South Asian alleles. This variant has been reported in multiple individuals with features consistent with KCNQ3-related neurodevelopmental disorder; in at least one individual, it was determined to be de novo or the result of germline mosaicism (Sands, 2019; Ambry internal data). Other variants at the same codon, c.688C>T (p.R230C) and c.688C>A (p.R230S), have been identified in multiple individuals with features consistent with KCNQ3-related neurodevelopmental disorder (Rauch, 2012; Epi4K, 2013; Bosch, 2016; Grozeva, 2015). This amino acid position is highly conserved in available vertebrate species. The p.R230 amino acid is located in the S4 transmembrane segment of the Kv7.3 voltage-gated potassium channel, which forms the voltage sensor (Miceli, 2015). The p.R230 amino acid is the second positively charged residue in the voltage sensor; these positively charged residues serve as gating charges and respond to voltage differences across the cell membrane (Bezanilla, 2008). Alterations in this amino acid position have been shown to be deleterious in several KCNQ channels (Miceli, 2011). Structural modeling performed in house at Ambry Genetics indicates that the p.R230H is structurally deleterious. This alteration is predicted to be deleterious by in silico analysis. Based on the available evidence, this alteration is classified as pathogenic.

North West Genomic Laboratory Hub, Manchester University NHS Foundation Trust
Classification: Pathogenic for Intellectual disability. Last evaluated: 2025-01-30. Review status: criteria provided, single submitter. Criteria: ACGS Best Practice Guidelines for Variant Classification in Rare Disease 2024. Collection method: clinical testing. Allele origin: germline. Affected: yes.
Comment: PS2_Str PS3_Supp PP3_Supp PM5_Mod PS4_Mod

Labcorp Genetics (formerly Invitae), Labcorp
Classification: Pathogenic for Benign neonatal seizures. Last evaluated: 2024-10-23. Review status: criteria provided, single submitter. Criteria: Invitae Variant Classification Sherloc (09022015). Collection method: clinical testing. Allele origin: germline.
Comment: This sequence change replaces arginine, which is basic and polar, with histidine, which is basic and polar, at codon 230 of the KCNQ3 protein (p.Arg230His). This variant is present in population databases (rs749205120, gnomAD 0.003%). This missense change has been observed in individual(s) with autosomal dominant KCNQ3-related disease (internal data). In at least one individual the variant was observed to be de novo. ClinVar contains an entry for this variant (Variation ID: 424397). Invitae Evidence Modeling of protein sequence and biophysical properties (such as structural, functional, and spatial information, amino acid conservation, physicochemical variation, residue mobility, and thermodynamic stability) indicates that this missense variant is expected to disrupt KCNQ3 protein function with a positive predictive value of 80%. Experimental studies have shown that this missense change affects KCNQ3 function (PMID: 30578330). This variant disrupts the p.Arg230 amino acid residue in KCNQ3. Other variant(s) that disrupt this residue have been determined to be pathogenic (PMID: 23020937, 23934111, 25740509, 30578330). This suggests that this residue is clinically significant, and that variants that disrupt this residue are likely to be disease-causing. For these reasons, this variant has been classified as Pathogenic.

Cytogénomique, Hospices Civils de Lyon
Classification: Pathogenic for Seizure. Last evaluated: 2024-10-09. Review status: criteria provided, single submitter. Criteria: ACMG Guidelines, 2015. Collection method: clinical testing. Allele origin: unknown. Affected: yes.

Blueprint Genetics
Classification: Pathogenic for KCNQ3-related disorders. Last evaluated: 2023-06-27. Review status: criteria provided, single submitter. Criteria: ACMG Guidelines, 2015. Collection method: clinical testing. Allele origin: germline. Affected: yes. Observed: 3 variant alleles.

CeGaT Center for Human Genetics Tuebingen
Classification: Pathogenic. Last evaluated: 2023-02-01. Review status: criteria provided, single submitter. Criteria: CeGaT Center For Human Genetics Tuebingen Variant Classification Criteria Version 2. Collection method: clinical testing. Allele origin: germline. Affected: yes. Observed: 3 variant alleles.
Comment: KCNQ3: PM1:Strong, PS4, PS3:Moderate, PP3, PS1:Supporting, PS2:Supporting

Centre of Medical Genetics, University Hospital Muenster
Classification: Pathogenic. Last evaluated: 2021-12-14. Review status: criteria provided, single submitter. Criteria: ACMG Guidelines, 2015. Collection method: clinical testing. Allele origin: unknown. Affected: yes. Observed: 1 variant allele, 1 heterozygote.
Comment: ACMG categories: PS1,PS4,PM2,PM6,PP2,PP3

Rady Children's Institute for Genomic Medicine, Rady Children's Hospital San Diego
Classification: Pathogenic for KCNQ3-related Disorders. Last evaluated: 2020-06-19. Review status: criteria provided, single submitter. Criteria: ACMG Guidelines, 2015. Collection method: clinical testing. Allele origin: germline. Affected: yes.
Comment: This variant and other missense changes at the same p.Arg230 residue have been previously reported as de novo changes in patients with autism, developmental disability and in some cases, multifocal status epilepticus during sleep (PMID: 31177578). The p.Arg230 residue is one of the two outermost positively charged residues of the potassium channel's S4 voltage sensor (PMID: 31177578). In vitro studies of CHO cells expressing KCNQ3 channel subunits with this variant demonstrated that it leads to a near complete loss of time-dependent channel opening kinetics and an overall increase in potassium current amplitude, indicating that this variant likely exerts a gain-of-function effect (PMID: 31177578). This variant is present in the heterozygous state in the gnomAD population database at a frequency of 0.0004% (1/251138) and thus is presumed to be rare. The c.689G>A (p.Arg230His) variant affects a highly conserved amino acid and is predicted by multiple in silico tools to have a deleterious effect on protein function. Analysis of the parental samples was negative for the variant, indicating this variant likely occurred as a de novo event. Based on the available evidence, the c.689G>A (p.Arg230His) variant is classified as Pathogenic.

Baylor Genetics
Classification: Pathogenic for Seizures, benign familial neonatal, 2. Last evaluated: 2019-05-07. Review status: criteria provided, single submitter. Criteria: ACMG Guidelines, 2015. Collection method: clinical testing. Allele origin: de novo. Affected: yes.
Comment: This variant was determined to be pathogenic according to ACMG Guidelines, 2015 [PMID:25741868].

Institute of Human Genetics, University of Leipzig Medical Center
Classification: Likely pathogenic for Seizures, benign familial neonatal, 2. Last evaluated: 2019-03-28. Review status: criteria provided, single submitter. Criteria: ACMG Guidelines, 2015. Collection method: clinical testing. Allele origin: germline. Affected: yes. Observed: 1 variant allele.

Cytogénomique, Hospices Civils de Lyon
Classification: Likely pathogenic for Seizures, benign familial neonatal, 2. Last evaluated: 2017-11-13. Review status: criteria provided, single submitter. Criteria: ACMG Guidelines, 2015. Collection method: clinical testing. Allele origin: de novo. Inheritance: Autosomal dominant inheritance. Affected: yes.

Geisinger Autism and Developmental Medicine Institute, Geisinger Health System
Classification: Pathogenic. Last evaluated: 2017-07-31. Review status: criteria provided, single submitter. Criteria: ACMG Guidelines, 2015. Collection method: provider interpretation, clinical testing. Allele origin: unknown. Observed: 1 variant allele.
Comment: The spectrum of KCNQ3-Related Disorders includes benign familial neonatal epilepsy, benign familial infantile epilepsy, and intellectual disability with or without seizures and/or cortical visual impairment. Different missense variants at this same position (p.Arg230Cys, p.Arg230Ser) have been reported in individuals with non-syndromic intellectual disability and individuals with benign familial neonatal seizures. The variant occurs at a conserved position predicted to be within the transmembrane segment S4 voltage sensor, and in silico analysis predicts this variant is probably damaging to the protein structure/function.

Genome Diagnostics Laboratory, Amsterdam University Medical Center
Classification: Pathogenic. Review status: no assertion criteria provided. Collection method: clinical testing. Allele origin: germline. Affected: yes. Study: VKGL Data-share Consensus. Not counted in ClinVar's aggregate classification.

Joint Genome Diagnostic Labs from Nijmegen and Maastricht, Radboudumc and MUMC+
Classification: Pathogenic. Review status: no assertion criteria provided. Collection method: clinical testing. Allele origin: germline. Affected: yes. Study: VKGL Data-share Consensus. Not counted in ClinVar's aggregate classification.

Literature cited by the submitters: PubMed 18354422 (cited by Ambry Genetics); PubMed 21687499 (cited by Ambry Genetics); PubMed 23020937 (cited by 3 submitters); PubMed 23934111 (cited by 3 submitters); PubMed 25740509 (cited by Ambry Genetics and Labcorp Genetics (formerly Invitae), Labcorp); PubMed 26350204 (cited by Ambry Genetics); PubMed 26350515 (cited by Ambry Genetics); PubMed 31177578 (cited by Ambry Genetics); PubMed 30578330 (cited by Labcorp Genetics (formerly Invitae), Labcorp).

NM_004519.4(KCNQ3):c.689G>A (p.Arg230His)

Gene: KCNQ3 (potassium voltage-gated channel subfamily Q member 3; minus strand). Cytogenetic location: 8q24.22.
Variant type: single nucleotide variant.
Coding change: c.689G>A on transcript NM_004519.4 (MANE Select); coding-DNA position 689, G replaced by A.
Protein change: p.Arg230His; replaces arginine 230 with histidine.
Molecular consequence: missense variant.
Genome position (GRCh38, 1-based): chr8:132,180,245, C>T on the plus strand (G>A on the coding strand, the complement: KCNQ3 is on the minus strand). VCF-style: chr8-132180245-C-T. GRCh37 (hg19) VCF-style: chr8-133192492-C-T.
Other names: c.329G>A, p.Arg110His (NM_001204824.2); short protein forms R230H, R110H.
Identifiers: ClinVar variation 424397 (VCV000424397.55), dbSNP rs749205120, ClinGen allele CA4880865.